The following is an entry in ClinVar:

ClinVar aggregate classification (germline): Uncertain significance (0 of 4 stars; one submission).

Submission:

Department of Pathology and Laboratory Medicine, Sinai Health System
Classification: Uncertain significance. Review status: no assertion criteria provided. Collection method: clinical testing. Allele origin: unknown. Affected: yes. Study: The Canadian Open Genetics Repository (COGR).
Comment: The PALLD p.Gly87Ala variant was not identified in the literature nor was it identified in the dbSNP, ClinVar, Cosmic, MutDB, LOVD 3.0, the 1000 Genomes Project, the NHLBI GO Exome Sequencing Project, the Exome Aggregation Consortium (August 8th 2016), or the Genome Aggregation Database (Feb 27, 2017). The p.G87 variant was not predicted by in silico or computational analyses to have an effect on the protein (SIFT, AlignGVGD, BLOSUM, and MutationTaster) nor was it predicted to affect splicing by four out of four splicing prediction programs (SpliceSiteFinder, MaxEntScan, NNSPLICE, and GeneSplicer) and is not highly conserved among mammals. In summary, based on the above information the clinical significance of this variant cannot be determined with certainty at this time. This variant is classified as a variant of uncertain significance.

NM_001166108.2(PALLD):c.260G>C (p.Gly87Ala)

Gene: PALLD (palladin, cytoskeletal associated protein; plus strand). Cytogenetic location: 4q32.3.
Variant type: single nucleotide variant.
Coding change: c.260G>C on transcript NM_001166108.2 (MANE Select); coding-DNA position 260, G replaced by C.
Protein change: p.Gly87Ala; replaces glycine 87 with alanine.
Molecular consequence: missense variant.
Genome position (GRCh38, 1-based): chr4:168,511,764, G>C. VCF-style: chr4-168511764-G-C. GRCh37 (hg19) VCF-style: chr4-169432915-G-C.
Other names: c.260G>C, p.Gly87Ala (NM_016081.4); short protein forms G87A.
Identifiers: ClinVar variation 1048936 (VCV001048936.1), dbSNP rs2149427632, ClinGen allele CA358725166.